The following is an entry in ClinVar:

NM_177433.3(MAGED2):c.1363A>G (p.Lys455Glu)

Gene: MAGED2 (MAGE family member D2; plus strand). Cytogenetic location: Xp11.21.
Variant type: single nucleotide variant.
Coding change: c.1363A>G on transcript NM_177433.3 (MANE Select); coding-DNA position 1363, A replaced by G.
Protein change: p.Lys455Glu; replaces lysine 455 with glutamic acid.
Molecular consequence: missense variant.
Genome position (GRCh38, 1-based): chrX:54,814,752, A>G. VCF-style: chrX-54814752-A-G. GRCh37 (hg19) VCF-style: chrX-54841185-A-G.
Other names: c.1363A>G, p.Lys455Glu (NM_014599.6, NM_201222.3); short protein forms K455E.
Identifiers: ClinVar variation 2660676 (VCV002660676.24), dbSNP rs2519310168, ClinGen allele CA413274258.
Genomic context (GRCh38, chrX:54,814,752, plus strand): 5'-AATCCCCCTGAATATGAGTTCTTCTGGGGCCTGCGCTCTTACTATGAGACCAGCAAGATG[A>G]AAGTCCTCAAGTTTGCCTGCAAGGTAATTGGAGAGCTCCTTGAGCTTGGCAAGTCAAGAG-3'
Protein context (NP_803182.1, residues 445-465): LRSYYETSKM[Lys455Glu]VLKFACKVQK

ClinVar aggregate classification (germline): Uncertain significance (1 of 4 stars; one submission).

Submission:

CeGaT Center for Human Genetics Tuebingen
Classification: Uncertain significance. Last evaluated: 2023-07-01. Review status: criteria provided, single submitter. Criteria: CeGaT Center For Human Genetics Tuebingen Variant Classification Criteria Version 2. Collection method: clinical testing. Allele origin: germline. Affected: yes. Observed: 1 variant allele.
Comment: MAGED2: PM2